The following is an entry in ClinVar:

ClinVar aggregate classification (germline): Benign/Likely benign. Review status: criteria provided, multiple submitters, no conflicts (2 of 4 stars). 4 submissions from 4 submitters: Benign (2); Likely benign (2). Last evaluated 2026-09-01.

Allele frequency attached by ClinVar (database versions not stated): gnomAD 0.00216 and 0.00199; 1000 Genomes Project 0.00220; gnomAD exomes 0.00272 and 0.00274; ESP Exome Variant Server 0.00308; ExAC 0.00318; 1000 Genomes Project 30x 0.00187; TOPMed 0.00200.
gnomAD v4.1: 4,311 of 1,614,200 alleles (0.27%); highest among the groups gnomAD compares: Middle Eastern, 1.9%; 18 homozygotes.

Submissions (4):

CeGaT Center for Human Genetics Tuebingen
Classification: Likely benign. Last evaluated: 2026-09-01. Review status: criteria provided, single submitter. Criteria: CeGaT Center For Human Genetics Tuebingen Variant Classification Criteria Version 2. Collection method: clinical testing. Allele origin: germline. Affected: yes. Observed: 17 variant alleles.
Comment: NACC1: PP2, BP4, BS2

Labcorp Genetics (formerly Invitae), Labcorp
Classification: Benign. Last evaluated: 2026-01-21. Review status: criteria provided, single submitter. Criteria: Invitae Variant Classification Sherloc (09022015). Collection method: clinical testing. Allele origin: germline.

Blueprint Genetics
Classification: Likely benign. Last evaluated: 2024-11-27. Review status: criteria provided, single submitter. Criteria: ACMG Guidelines, 2015. Collection method: clinical testing. Allele origin: germline.

Breakthrough Genomics
Classification: Benign. Review status: criteria provided, single submitter. Criteria: ACMG Guidelines, 2015. Collection method: not provided. Allele origin: germline. Inheritance: Autosomal dominant inheritance. Affected: yes.

NM_052876.4(NACC1):c.1462G>A (p.Ala488Thr)

Gene: NACC1 (nucleus accumbens associated 1; plus strand). Cytogenetic location: 19p13.13.
Variant type: single nucleotide variant.
Coding change: c.1462G>A on transcript NM_052876.4 (MANE Select); coding-DNA position 1462, G replaced by A.
Protein change: p.Ala488Thr; replaces alanine 488 with threonine.
Molecular consequence: missense variant.
Genome position (GRCh38, 1-based): chr19:13,138,284, G>A. VCF-style: chr19-13138284-G-A. GRCh37 (hg19) VCF-style: chr19-13249098-G-A.
Other names: short protein forms A488T.
Identifiers: ClinVar variation 778811 (VCV000778811.43), dbSNP rs150928114, ClinGen allele CA9238532.
Genomic context (GRCh38, chr19:13,138,284, plus strand): 5'-CGCCGCGTCGTGCGCAAGAGCTGGATGCCCAAGGTCAAGGTGCTCAAGGCTGAGGATGAC[G>A]CCTACACCACCTTCATCAGTGAAACGGGCAAGATCGAGCCGGACATGATGGGTGTGGAGC-3'
Protein context (NP_443108.1, residues 478-498): KVKVLKAEDD[Ala488Thr]YTTFISETGK